The following is an entry in ClinVar:

ClinVar aggregate classification (germline): Uncertain significance (1 of 4 stars; one submission).

Conditions:
Dystonic disorder. Also called: Dystonia. Identifiers: MedGen C0013421, MONDO:0003441, HP:0001332.

gnomAD v4.1: 10 of 1,611,378 alleles (0.00062%); highest among the groups gnomAD compares: East Asian, 0.02%; no homozygotes.

Submission:

Labcorp Genetics (formerly Invitae), Labcorp
Classification: Uncertain significance for Dystonic disorder. Last evaluated: 2025-01-23. Review status: criteria provided, single submitter. Criteria: Invitae Variant Classification Sherloc (09022015). Collection method: clinical testing. Allele origin: germline.
Comment: This sequence change replaces isoleucine, which is neutral and non-polar, with methionine, which is neutral and non-polar, at codon 38 of the TOR1A protein (p.Ile38Met). This variant is present in population databases (rs531641235, gnomAD 0.02%). This variant has not been reported in the literature in individuals affected with TOR1A-related conditions. Invitae Evidence Modeling of protein sequence and biophysical properties (such as structural, functional, and spatial information, amino acid conservation, physicochemical variation, residue mobility, and thermodynamic stability) indicates that this missense variant is not expected to disrupt TOR1A protein function with a negative predictive value of 80%. In summary, the available evidence is currently insufficient to determine the role of this variant in disease. Therefore, it has been classified as a Variant of Uncertain Significance.

NM_000113.3(TOR1A):c.114C>G (p.Ile38Met)

Gene: TOR1A (torsin family 1 member A; minus strand). Cytogenetic location: 9q34.11.
Variant type: single nucleotide variant.
Coding change: c.114C>G on transcript NM_000113.3 (MANE Select); coding-DNA position 114, C replaced by G.
Protein change: p.Ile38Met; replaces isoleucine 38 with methionine.
Molecular consequence: missense variant.
Genome position (GRCh38, 1-based): chr9:129,823,972, G>C on the plus strand (C>G on the coding strand, the complement: TOR1A is on the minus strand). VCF-style: chr9-129823972-G-C. GRCh37 (hg19) VCF-style: chr9-132586251-G-C.
Other names: short protein forms I38M.
Identifiers: ClinVar variation 3662978 (VCV003662978.2).